The following is an entry in ClinVar:

ClinVar aggregate classification (germline): Uncertain significance (1 of 4 stars; one submission).

Conditions:
Spastic paraplegia. Identifiers: MedGen C0037772, HP:0001258.

Submission:

Labcorp Genetics (formerly Invitae), Labcorp
Classification: Uncertain significance for Spastic paraplegia. Last evaluated: 2025-05-22. Review status: criteria provided, single submitter. Criteria: Invitae Variant Classification Sherloc (09022015). Collection method: clinical testing. Allele origin: germline.
Comment: This sequence change replaces glutamic acid, which is acidic and polar, with valine, which is neutral and non-polar, at codon 57 of the VAMP1 protein (p.Glu57Val). This variant is not present in population databases (gnomAD no frequency). This variant has not been reported in the literature in individuals affected with VAMP1-related conditions. An algorithm developed to predict the effect of missense changes on protein structure and function (PolyPhen-2) suggests that this variant is likely to be disruptive. In summary, the available evidence is currently insufficient to determine the role of this variant in disease. Therefore, it has been classified as a Variant of Uncertain Significance.

NM_014231.5(VAMP1):c.170A>T (p.Glu57Val)

Genes: TAPBPL (TAP binding protein like; plus strand), VAMP1 (vesicle associated membrane protein 1; minus strand). Cytogenetic location: 12p13.31.
Variant type: single nucleotide variant.
Coding change: c.170A>T on transcript NM_014231.5 (MANE Select); coding-DNA position 170, A replaced by T.
Protein change: p.Glu57Val; replaces glutamic acid 57 with valine.
Molecular consequence: missense variant. On other transcripts: non-coding transcript variant (1).
Genome position (GRCh38, 1-based): chr12:6,465,960, T>A on the plus strand (A>T on the coding strand, the complement: VAMP1 is on the minus strand). VCF-style: chr12-6465960-T-A. GRCh37 (hg19) VCF-style: chr12-6575126-T-A.
Other names: c.170A>T, p.Glu57Val (NM_001297438.2, NM_016830.4, NM_199245.3); short protein forms E57V.
Identifiers: ClinVar variation 4769807 (VCV004769807.1).